The following is an entry in ClinVar:

ClinVar aggregate classification (germline): Benign (1 of 4 stars; one submission).

Conditions:
Episodic ataxia type 1 (EA1). Also called: ATAXIA, EPISODIC, WITH MYOKYMIA; MYOKYMIA WITH PERIODIC ATAXIA; PAROXYSMAL ATAXIA WITH NEUROMYOTONIA, HEREDITARY; Episodic ataxia/myokymia syndrome. Identifiers: Orphanet 37612, Orphanet 972, MedGen C1719788, MONDO:0008047, OMIM 160120.

Allele frequency attached by ClinVar (database versions not stated): gnomAD 0.00171 and 0.00178; TOPMed 0.00209; 1000 Genomes Project 30x 0.00219; 1000 Genomes Project 0.00220.

Submission:

Illumina Laboratory Services, Illumina
Classification: Benign for Episodic ataxia type 1. Last evaluated: 2018-01-12. Review status: criteria provided, single submitter. Criteria: ICSL Variant Classification Criteria 13 December 2019. Collection method: clinical testing. Allele origin: germline.
Comment: This variant was observed in the ICSL laboratory as part of a predisposition screen in an ostensibly healthy population. It had not been previously curated by ICSL or reported in the Human Gene Mutation Database (HGMD: prior to June 1st, 2018), and was therefore a candidate for classification through an automated scoring system. Utilizing variant allele frequency, disease prevalence and penetrance estimates, and inheritance mode, an automated score was calculated to assess if this variant is too frequent to cause the disease. Based on the score and internal cut-off values, a variant classified as benign is not then subjected to further curation. The score for this variant resulted in a classification of benign for this disease.

NM_000217.3(KCNA1):c.*2727C>T

Gene: KCNA1 (potassium voltage-gated channel subfamily A member 1; plus strand). Cytogenetic location: 12p13.32.
Variant type: single nucleotide variant.
Coding change: c.*2727C>T on transcript NM_000217.3 (MANE Select); 2727 bases downstream of the stop codon, C replaced by T.
Molecular consequence: 3 prime UTR variant.
Genome position (GRCh38, 1-based): chr12:4,915,593, C>T. VCF-style: chr12-4915593-C-T. GRCh37 (hg19) VCF-style: chr12-5024759-C-T.
Identifiers: ClinVar variation 309193 (VCV000309193.6), dbSNP rs113371270, ClinGen allele CA10637717.
Genomic context (GRCh38, chr12:4,915,593, plus strand): 5'-AGGGGCCAAGAACTGCGCAGCATCCGACTACAGGGCATTAAACCCTCCCATGTGATGTCT[C>T]CTTCTCGTCTGAACCTTAACTCATTCTGGCGATTCCTTTCCTACTTGCTTAAAAATCCCC-3'